The following is an entry in ClinVar:

NM_025132.4(WDR19):c.2312C>T (p.Pro771Leu)

Gene: WDR19 (WD repeat domain 19; plus strand). Cytogenetic location: 4p14.
Variant type: single nucleotide variant.
Coding change: c.2312C>T on transcript NM_025132.4 (MANE Select); coding-DNA position 2312, C replaced by T.
Protein change: p.Pro771Leu; replaces proline 771 with leucine.
Molecular consequence: missense variant.
Genome position (GRCh38, 1-based): chr4:39,234,824, C>T. VCF-style: chr4-39234824-C-T. GRCh37 (hg19) VCF-style: chr4-39236444-C-T.
Other names: c.1832C>T, p.Pro611Leu (NM_001317924.2); short protein forms P611L, P771L.
Identifiers: ClinVar variation 853049 (VCV000853049.11), dbSNP rs1249345016, ClinGen allele CA356635445.

ClinVar aggregate classification (germline): Uncertain significance (1 of 4 stars; one submission).

Conditions:
Asphyxiating thoracic dystrophy 5 (SRTD5). Also called: SHORT-RIB THORACIC DYSPLASIA 5 WITH OR WITHOUT POLYDACTYLY; SHORT-RIB THORACIC DYSPLASIA 5 WITHOUT POLYDACTYLY. Identifiers: Orphanet 474, MedGen C3280598, MONDO:0013717, OMIM 614376.
Senior-Loken syndrome 8 (SLSN8). Identifiers: Orphanet 3156, MedGen C4225376, MONDO:0014579, OMIM 616307.

Allele frequency attached by ClinVar (database versions not stated): TOPMed below 0.00001.

Submission:

Labcorp Genetics (formerly Invitae), Labcorp
Classification: Uncertain significance for Senior-Loken syndrome 8; Asphyxiating thoracic dystrophy 5. Last evaluated: 2022-07-18. Review status: criteria provided, single submitter. Criteria: Invitae Variant Classification Sherloc (09022015). Collection method: clinical testing. Allele origin: germline.
Comment: This variant is not present in population databases (gnomAD no frequency). This sequence change replaces proline, which is neutral and non-polar, with leucine, which is neutral and non-polar, at codon 771 of the WDR19 protein (p.Pro771Leu). This variant has not been reported in the literature in individuals affected with WDR19-related conditions. In summary, the available evidence is currently insufficient to determine the role of this variant in disease. Therefore, it has been classified as a Variant of Uncertain Significance. Algorithms developed to predict the effect of missense changes on protein structure and function are either unavailable or do not agree on the potential impact of this missense change (SIFT: "Deleterious"; PolyPhen-2: "Probably Damaging"; Align-GVGD: "Class C0"). ClinVar contains an entry for this variant (Variation ID: 853049).